The following is an entry in ClinVar:

NC_000023.10:g.(?_149613783)_(149840068_?)dup

Genes: MAMLD1 (mastermind like domain containing 1; plus strand), MTM1 (myotubularin 1; plus strand). Cytogenetic location: Xq28.
Variant type: Duplication.
Identifiers: ClinVar variation 2422669 (VCV002422669.2).

ClinVar aggregate classification (germline): Uncertain significance (1 of 4 stars; one submission).

Conditions:
Severe X-linked myotubular myopathy (CNMX). Also called: X-linked centronuclear myopathy; MYOTUBULAR MYOPATHY 1; Myotubular myopathy, X-linked. Identifiers: Orphanet 596, MedGen C0410203, MONDO:0010683, OMIM 310400.

Submission:

Labcorp Genetics (formerly Invitae), Labcorp
Classification: Uncertain significance for Severe X-linked myotubular myopathy. Last evaluated: 2022-06-07. Review status: criteria provided, single submitter. Criteria: Invitae Variant Classification Sherloc (09022015). Collection method: clinical testing. Allele origin: germline.
Comment: A copy number gain of the genomic region encompassing the full coding sequence of the MTM1 gene has been identified. The boundaries of this event are unknown as they extend beyond the assayed region for this gene and therefore may encompass additional genes. As the precise location of this event is unknown, it may be in tandem or it may be located elsewhere in the genome. This variant has not been reported in the literature in individuals affected with MTM1-related conditions. In summary, the available evidence is currently insufficient to determine the role of this variant in disease. Therefore, it has been classified as a Variant of Uncertain Significance.